The following is an entry in ClinVar:

ClinVar aggregate classification (germline): Benign/Likely benign. Review status: criteria provided, multiple submitters, no conflicts (2 of 4 stars). 13 submissions from 13 submitters: Benign (8); Likely benign (4). 1 of the submissions does not count toward it. Last evaluated 2026-07-01.

Conditions:
Tuberous sclerosis syndrome (TSC). Also called: Tuberous Sclerosis Complex; Tuberous sclerosis. Identifiers: Orphanet 805, MedGen C0041341, MONDO:0001734.
Tuberous sclerosis 2 (TSC2). Identifiers: Orphanet 805, MedGen C1860707, MONDO:0013199, OMIM 613254.
TSC2-related disorder. Also called: TSC2-Related Disorders; TSC2-related condition.
Hereditary cancer-predisposing syndrome. Also called: Hereditary neoplastic syndrome; Neoplastic Syndromes, Hereditary; Hereditary Cancer Syndrome; Tumor predisposition. Identifiers: Orphanet 140162, MedGen C0027672, MeSH D009386, MONDO:0015356.

Allele frequency attached by ClinVar (database versions not stated): gnomAD exomes 0.00007; ExAC 0.00008; gnomAD 0.00020 and 0.00021; TOPMed 0.00024; ESP Exome Variant Server 0.00031.
gnomAD v4.1: 156 of 1,612,834 alleles (0.0097%); highest among the groups gnomAD compares: African/African-American, 0.061%; no homozygotes.

Submissions (13):

CeGaT Center for Human Genetics Tuebingen
Classification: Likely benign. Last evaluated: 2026-07-01. Review status: criteria provided, single submitter. Criteria: CeGaT Center For Human Genetics Tuebingen Variant Classification Criteria Version 2. Collection method: clinical testing. Allele origin: germline. Affected: yes. Observed: 1 variant allele.
Comment: TSC2: BP4, BP7

Labcorp Genetics (formerly Invitae), Labcorp
Classification: Benign for Tuberous sclerosis 2. Last evaluated: 2026-02-02. Review status: criteria provided, single submitter. Criteria: Invitae Variant Classification Sherloc (09022015). Collection method: clinical testing. Allele origin: germline.

Mayo Clinic Laboratories, Mayo Clinic
Classification: Likely benign. Last evaluated: 2025-06-05. Review status: criteria provided, single submitter. Criteria: ACMG Guidelines, 2015. Collection method: clinical testing. Allele origin: germline. Observed: 1 variant allele.
Comment: BS1, BP4, BP7

Myriad Genetics, Inc.
Classification: Benign for Tuberous sclerosis 2. Last evaluated: 2025-05-29. Review status: criteria provided, single submitter. Criteria: Myriad Autosomal Dominant, Autosomal Recessive and X-Linked Classification Criteria (2023). Collection method: clinical testing. Allele origin: unknown.
Comment: This variant is considered benign. This variant is a silent/synonymous amino acid change and it is not expected to impact splicing.

All of Us Research Program, National Institutes of Health
Classification: Benign for Tuberous sclerosis syndrome. Last evaluated: 2023-12-18. Review status: criteria provided, single submitter. Criteria: ACMG Guidelines, 2015. Collection method: clinical testing. Allele origin: germline. Inheritance: Autosomal dominant inheritance. Observed: 29 variant alleles, 29 heterozygotes.
Comment: This study involves interpretation of variants in research participants for the purpose of population health screening. Participant phenotype was not available at the time of variant classification. Additional details can be found in publication PMID: 35346344, PMCID: PMC8962531

KCCC/NGS Laboratory, Kuwait Cancer Control Center
Classification: Likely benign for Tuberous sclerosis 2. Last evaluated: 2023-07-07. Review status: criteria provided, single submitter. Criteria: ACMG Guidelines, 2015. Collection method: clinical testing. Allele origin: germline. Affected: yes.

Color Diagnostics, LLC DBA Color Health
Classification: Benign for Tuberous sclerosis syndrome. Last evaluated: 2022-10-02. Review status: criteria provided, single submitter. Criteria: ACMG Guidelines, 2015. Collection method: clinical testing. Allele origin: germline.

Genome-Nilou Lab
Classification: Benign for Tuberous sclerosis 2. Last evaluated: 2021-11-07. Review status: criteria provided, single submitter. Criteria: ACMG Guidelines, 2015. Collection method: clinical testing. Allele origin: germline. Affected: no.

Sema4
Classification: Benign for Hereditary cancer-predisposing syndrome. Last evaluated: 2021-07-01. Review status: criteria provided, single submitter. Criteria: Sema4 Curation Guidelines. Collection method: curation. Allele origin: germline.

Women's Health and Genetics/Laboratory Corporation of America, LabCorp
Classification: Benign. Last evaluated: 2021-02-28. Review status: criteria provided, single submitter. Criteria: LabCorp Variant Classification Summary - May 2015. Collection method: clinical testing. Allele origin: germline.

GeneDx
Classification: Benign. Last evaluated: 2019-07-19. Review status: criteria provided, single submitter. Criteria: GeneDx Variant Classification Process June 2021. Collection method: clinical testing. Allele origin: germline. Affected: yes.

Ambry Genetics
Classification: Likely benign for Hereditary cancer-predisposing syndrome. Last evaluated: 2015-01-13. Review status: criteria provided, single submitter. Criteria: Ambry Variant Classification Scheme 2023. Collection method: clinical testing. Allele origin: germline.

PreventionGenetics, part of Exact Sciences
Classification: Likely benign for TSC2-related condition. Last evaluated: 2021-11-23. Review status: no assertion criteria provided. Collection method: clinical testing. Allele origin: germline. Not counted in ClinVar's aggregate classification.
Comment: This variant is classified as likely benign based on ACMG/AMP sequence variant interpretation guidelines (Richards et al. 2015 PMID: 25741868, with internal and published modifications).

NM_000548.5(TSC2):c.3420C>T (p.Gly1140=)

Gene: TSC2 (TSC complex subunit 2; plus strand). Cytogenetic location: 16p13.3.
Variant type: single nucleotide variant.
Coding change: c.3420C>T on transcript NM_000548.5 (MANE Select); coding-DNA position 3420, C replaced by T.
Protein change: p.Gly1140=; no amino-acid change (glycine 1140 retained).
Molecular consequence: synonymous variant.
Genome position (GRCh38, 1-based): chr16:2,080,187, C>T. VCF-style: chr16-2080187-C-T. GRCh37 (hg19) VCF-style: chr16-2130188-C-T.
Other names: p.Gly1140=; c.3288C>T, p.Gly1096= (NM_001077183.3, NM_001370404.1); c.3420C>T, p.Gly1140= (NM_001114382.3); c.3180C>T, p.Gly1060= (NM_001318827.2); c.3144C>T, p.Gly1048= (NM_001318829.2); c.2688C>T, p.Gly896= (NM_001318831.2); c.3321C>T, p.Gly1107= (NM_001318832.2); c.3291C>T, p.Gly1097= (NM_001363528.2, NM_001370405.1, NM_021055.3).
Identifiers: ClinVar variation 380719 (VCV000380719.40), dbSNP rs373968155, ClinGen allele CA046774.